The following is an entry in ClinVar:

NM_000278.5(PAX2):c.250G>T (p.Gly84Cys)

Gene: PAX2 (paired box 2; plus strand). Cytogenetic location: 10q24.31.
Variant type: single nucleotide variant.
Coding change: c.250G>T on transcript NM_000278.5 (MANE Select); coding-DNA position 250, G replaced by T.
Protein change: p.Gly84Cys; replaces glycine 84 with cysteine.
Molecular consequence: missense variant.
Genome position (GRCh38, 1-based): chr10:100,750,731, G>T. VCF-style: chr10-100750731-G-T. GRCh37 (hg19) VCF-style: chr10-102510488-G-T.
Other names: c.343G>T, p.Gly115Cys (NM_001304569.2); c.250G>T, p.Gly84Cys (NM_003987.5, NM_003988.5, NM_003989.5 and 1 more transcripts); short protein forms G84C, G115C.
Identifiers: ClinVar variation 4787216 (VCV004787216.1).

ClinVar aggregate classification (germline): Uncertain significance (1 of 4 stars; one submission).

Conditions:
Focal segmental glomerulosclerosis 7 (FSGS7). Identifiers: Orphanet 656, MedGen C4014925, MONDO:0014451, OMIM 616002.
Renal coloboma syndrome (PAPRS). Also called: PAPILLORENAL SYNDROME; COLOBOMA OF OPTIC NERVE WITH RENAL DISEASE; OPTIC COLOBOMA, VESICOURETERAL REFLUX, AND RENAL ANOMALIES; OPTIC NERVE COLOBOMA WITH RENAL DISEASE; RENAL-COLOBOMA SYNDROME WITH MACULAR ABNORMALITIES; PAPILLORENAL SYNDROME WITH MILD OCULAR ABNORMALITIES. Identifiers: Orphanet 1475, MedGen C1852759, MONDO:0007352, OMIM 120330.

Submission:

Labcorp Genetics (formerly Invitae), Labcorp
Classification: Uncertain significance for Renal coloboma syndrome; Focal segmental glomerulosclerosis 7. Last evaluated: 2026-01-07. Review status: criteria provided, single submitter. Criteria: Invitae Variant Classification Sherloc (09022015). Collection method: clinical testing. Allele origin: germline.
Comment: This sequence change replaces glycine, which is neutral and non-polar, with cysteine, which is neutral and slightly polar, at codon 84 of the PAX2 protein (p.Gly84Cys). This variant is not present in population databases (gnomAD no frequency). This variant has not been reported in the literature in individuals affected with PAX2-related conditions. Experimental studies and prediction algorithms are not available or were not evaluated, and the functional significance of this variant is currently unknown. This variant disrupts the p.Gly84 amino acid residue in PAX2. Other variant(s) that disrupt this residue have been determined to be pathogenic (PMID: 22213154). This suggests that this residue is clinically significant, and that variants that disrupt this residue are likely to be disease-causing. In summary, the available evidence is currently insufficient to determine the role of this variant in disease. Therefore, it has been classified as a Variant of Uncertain Significance.

Literature cited by the submitters: PubMed 22213154.